The following is an entry in ClinVar:

ClinVar aggregate classification (germline): Uncertain significance (1 of 4 stars; one submission).

Submission:

Labcorp Genetics (formerly Invitae), Labcorp
Classification: Uncertain significance. Last evaluated: 2022-05-10. Review status: criteria provided, single submitter. Criteria: Invitae Variant Classification Sherloc (09022015). Collection method: clinical testing. Allele origin: germline.
Comment: In summary, the available evidence is currently insufficient to determine the role of this variant in disease. Therefore, it has been classified as a Variant of Uncertain Significance. Algorithms developed to predict the effect of missense changes on protein structure and function are either unavailable or do not agree on the potential impact of this missense change (SIFT: "Tolerated"; PolyPhen-2: "Possibly Damaging"; Align-GVGD: "Class C0"). This variant has not been reported in the literature in individuals affected with AHR-related conditions. This variant is not present in population databases (gnomAD no frequency). This sequence change replaces valine, which is neutral and non-polar, with leucine, which is neutral and non-polar, at codon 647 of the AHR protein (p.Val647Leu).

NM_001621.5(AHR):c.1939G>C (p.Val647Leu)

Gene: AHR (aryl hydrocarbon receptor; plus strand). Cytogenetic location: 7p21.1.
Variant type: single nucleotide variant.
Coding change: c.1939G>C on transcript NM_001621.5 (MANE Select); coding-DNA position 1939, G replaced by C.
Protein change: p.Val647Leu; replaces valine 647 with leucine.
Molecular consequence: missense variant.
Genome position (GRCh38, 1-based): chr7:17,339,764, G>C. VCF-style: chr7-17339764-G-C. GRCh37 (hg19) VCF-style: chr7-17379388-G-C.
Other names: short protein forms V647L.
Identifiers: ClinVar variation 1992818 (VCV001992818.4), dbSNP rs2534451145, ClinGen allele CA366895547.